The following is an entry in ClinVar:

NM_000426.4(LAMA2):c.1713C>G (p.Asn571Lys)

Gene: LAMA2 (laminin subunit alpha 2; plus strand). Cytogenetic location: 6q22.33.
Variant type: single nucleotide variant.
Coding change: c.1713C>G on transcript NM_000426.4 (MANE Select); coding-DNA position 1713, C replaced by G.
Protein change: p.Asn571Lys; replaces asparagine 571 with lysine.
Molecular consequence: missense variant.
Genome position (GRCh38, 1-based): chr6:129,192,784, C>G. VCF-style: chr6-129192784-C-G. GRCh37 (hg19) VCF-style: chr6-129513929-C-G.
Other names: c.1713C>G, p.Asn571Lys (NM_001079823.2); short protein forms N571K.
Identifiers: ClinVar variation 1013926 (VCV001013926.9), dbSNP rs755646653, ClinGen allele CA3992706.

ClinVar aggregate classification (germline): Uncertain significance (1 of 4 stars; one submission).

Conditions:
LAMA2-related muscular dystrophy (LAMA2-RD). Also called: Laminin alpha 2-related dystrophy. Identifiers: MedGen C5679788, MONDO:0100228.

Allele frequency attached by ClinVar (database versions not stated): TOPMed 0.00001.
gnomAD v4.1: 5 of 1,614,144 alleles (0.00031%); highest among the groups gnomAD compares: South Asian, 0.0055%; no homozygotes.

Submission:

Labcorp Genetics (formerly Invitae), Labcorp
Classification: Uncertain significance for LAMA2-related muscular dystrophy. Last evaluated: 2022-07-19. Review status: criteria provided, single submitter. Criteria: Invitae Variant Classification Sherloc (09022015). Collection method: clinical testing. Allele origin: germline.
Comment: In summary, the available evidence is currently insufficient to determine the role of this variant in disease. Therefore, it has been classified as a Variant of Uncertain Significance. Advanced modeling of protein sequence and biophysical properties (such as structural, functional, and spatial information, amino acid conservation, physicochemical variation, residue mobility, and thermodynamic stability) performed at Invitae indicates that this missense variant is not expected to disrupt LAMA2 protein function. ClinVar contains an entry for this variant (Variation ID: 1013926). This variant has not been reported in the literature in individuals affected with LAMA2-related conditions. This variant is present in population databases (rs755646653, gnomAD 0.006%). This sequence change replaces asparagine, which is neutral and polar, with lysine, which is basic and polar, at codon 571 of the LAMA2 protein (p.Asn571Lys).